The following is an entry in ClinVar:

ClinVar aggregate classification (germline): Benign. Review status: criteria provided, multiple submitters, no conflicts (2 of 4 stars). 3 submissions from 3 submitters: Benign (2). 1 of the submissions does not count toward it. Last evaluated 2019-12-31.

Allele frequency attached by ClinVar (database versions not stated): ESP Exome Variant Server 0.00730; gnomAD 0.00620 and 0.00657; gnomAD exomes 0.00172; ExAC 0.00204; TOPMed 0.00716; 1000 Genomes Project 0.00759; 1000 Genomes Project 30x 0.00781.
gnomAD v4.1: 1,897 of 1,614,008 alleles (0.12%); highest among the groups gnomAD compares: African/African-American, 2.1%; 19 homozygotes.

Submissions (6):

Labcorp Genetics (formerly Invitae), Labcorp
Classification: Benign. Last evaluated: 2019-12-31. Review status: criteria provided, single submitter. Criteria: Invitae Variant Classification Sherloc (09022015). Collection method: clinical testing. Allele origin: germline.

Breakthrough Genomics
Classification: Benign. Review status: criteria provided, single submitter. Criteria: ACMG Guidelines, 2015. Collection method: not provided. Allele origin: germline. Inheritance: Autosomal recessive inheritance. Affected: yes.

Dr. Peter K. Rogan Lab, Western University
No classification provided (evidence only). Condition: Acute myeloid leukemia. Review status: no classification provided. Collection method: in vitro. Allele origin: not applicable. Functional consequence: retained intron. Not counted in ClinVar's aggregate classification.

Dr. Peter K. Rogan Lab, Western University
No classification provided (evidence only). Condition: Acute myeloid leukemia. Review status: no classification provided. Collection method: in vitro. Allele origin: not applicable. Functional consequence: retained intron. Not counted in ClinVar's aggregate classification.

Dr. Peter K. Rogan Lab, Western University
No classification provided (evidence only). Condition: Ovarian serous cystadenocarcinoma. Review status: no classification provided. Collection method: in vitro. Allele origin: not applicable. Functional consequence: retained intron. Not counted in ClinVar's aggregate classification.

Genetic Services Laboratory, University of Chicago
Classification: Likely benign for AllHighlyPenetrant. Review status: no assertion criteria provided. Collection method: clinical testing. Allele origin: germline. Inheritance: Autosomal recessive inheritance. Not counted in ClinVar's aggregate classification.
Comment: Likely benign based on allele frequency in 1000 Genomes Project or ESP global frequency and its presence in a patient with a rare or unrelated disease phenotype. NOT Sanger confirmed.

NM_133444.3(ZNF526):c.501G>A (p.Thr167=)

Gene: ZNF526 (zinc finger protein 526; plus strand). Cytogenetic location: 19q13.2.
Variant type: single nucleotide variant.
Coding change: c.501G>A on transcript NM_133444.3 (MANE Select); coding-DNA position 501, G replaced by A.
Protein change: p.Thr167=; no amino-acid change (threonine 167 retained).
Molecular consequence: synonymous variant.
Genome position (GRCh38, 1-based): chr19:42,224,904, G>A. VCF-style: chr19-42224904-G-A. GRCh37 (hg19) VCF-style: chr19-42729056-G-A.
Other names: NC_000019.9:g.42729056G>A; c.501G>A, p.Thr167= (NM_001314033.3).
Identifiers: ClinVar variation 130832 (VCV000130832.12), dbSNP rs57984044, ClinGen allele CA156141.